The following is an entry in ClinVar:

ClinVar aggregate classification (germline): Uncertain significance (1 of 4 stars; one submission).

Submission:

GeneDx
Classification: Uncertain significance. Last evaluated: 2021-04-05. Review status: criteria provided, single submitter. Criteria: GeneDx Variant Classification Process June 2021. Collection method: clinical testing. Allele origin: germline. Affected: yes.
Comment: Not observed in large population cohorts (Lek et al., 2016); In silico analysis supports that this missense variant does not alter protein structure/function; Has not been previously published as pathogenic or benign to our knowledge

NM_006059.4(LAMC3):c.142G>T (p.Ala48Ser)

Gene: LAMC3 (laminin subunit gamma 3; plus strand). Cytogenetic location: 9q34.12.
Variant type: single nucleotide variant.
Coding change: c.142G>T on transcript NM_006059.4 (MANE Select); coding-DNA position 142, G replaced by T.
Protein change: p.Ala48Ser; replaces alanine 48 with serine.
Molecular consequence: missense variant.
Genome position (GRCh38, 1-based): chr9:131,009,356, G>T. VCF-style: chr9-131009356-G-T. GRCh37 (hg19) VCF-style: chr9-133884743-G-T.
Other names: short protein forms A48S.
Identifiers: ClinVar variation 1314436 (VCV001314436.2), dbSNP rs1195853230, ClinGen allele CA375250465.